The following is an entry in ClinVar:

Conditions:
Long QT syndrome 5 (LQT5). Identifiers: Orphanet 101016, Orphanet 768, MedGen C1867904, MONDO:0013372, OMIM 613695.

Submission:

Roden Lab, Vanderbilt University Medical Center
No classification provided (evidence only). Condition: Long QT syndrome 5. Review status: no classification provided. Collection method: in vitro. Allele origin: not applicable. Functional consequence: Effect on ion channel function.
ClinVar note: "not provided" was previously submitted as the classification for the variant. However, the classification appeared to be based only on an observation of functional data so it was converted to no classification on 2025-07-30.

NM_000219.6(KCNE1):c.223A>T (p.Asn75Tyr)

Gene: KCNE1 (potassium voltage-gated channel subfamily E regulatory subunit 1; minus strand). Cytogenetic location: 21q22.12.
Variant type: single nucleotide variant.
Coding change: c.223A>T on transcript NM_000219.6 (MANE Select); coding-DNA position 223, A replaced by T.
Protein change: p.Asn75Tyr; replaces asparagine 75 with tyrosine.
Molecular consequence: missense variant.
Genome position (GRCh38, 1-based): chr21:34,449,412, T>A on the plus strand (A>T on the coding strand, the complement: KCNE1 is on the minus strand). VCF-style: chr21-34449412-T-A. GRCh37 (hg19) VCF-style: chr21-35821710-T-A.
Other names: c.223A>T, p.Asn75Tyr (NM_001127668.4, NM_001127669.4, NM_001127670.4 and 4 more transcripts); short protein forms N75Y.
Identifiers: ClinVar variation 3374367 (VCV003374367.2).
Genomic context (GRCh38, chr21:34,449,412, plus strand): 5'-CATAGGCCTTGTCCTTCTCTTGCCAGGCATCGGACTCGATGTAGACGTTGAATGGGTCGT[T>A]CGAGTGCTCCAGCTTCTTGGAGCGGATGTAGCTCAGCATGATGCCCAGGGTGAAGAAGCC-3'
Protein context (NP_000210.2, residues 65-85): YIRSKKLEHS[Asn75Tyr]DPFNVYIESD